The following is an entry in ClinVar:

ClinVar aggregate classification (germline): Uncertain significance. Review status: criteria provided, multiple submitters, no conflicts (2 of 4 stars). 2 submissions from 2 submitters: Uncertain significance (2). Last evaluated 2025-04-16.

Allele frequency attached by ClinVar (database versions not stated): gnomAD 0.00005; ExAC 0.00006; TOPMed 0.00006; gnomAD exomes 0.00009.
gnomAD v4.1: 134 of 1,526,704 alleles (0.0088%); highest among the groups gnomAD compares: Non-Finnish European, 0.011%; no homozygotes.

Submissions (2):

Ambry Genetics
Classification: Uncertain significance. Last evaluated: 2025-04-16. Review status: criteria provided, single submitter. Criteria: Ambry Variant Classification Scheme 2023. Collection method: clinical testing. Allele origin: germline.

Labcorp Genetics (formerly Invitae), Labcorp
Classification: Uncertain significance. Last evaluated: 2025-03-19. Review status: criteria provided, single submitter. Criteria: Invitae Variant Classification Sherloc (09022015). Collection method: clinical testing. Allele origin: germline.
Comment: This sequence change replaces isoleucine, which is neutral and non-polar, with valine, which is neutral and non-polar, at codon 175 of the POC5 protein (p.Ile175Val). This variant is present in population databases (rs778144035, gnomAD 0.009%). This variant has not been reported in the literature in individuals affected with POC5-related conditions. ClinVar contains an entry for this variant (Variation ID: 2073752). An algorithm developed to predict the effect of missense changes on protein structure and function (PolyPhen-2) suggests that this variant is likely to be tolerated. In summary, the available evidence is currently insufficient to determine the role of this variant in disease. Therefore, it has been classified as a Variant of Uncertain Significance.

NM_001099271.2(POC5):c.523A>G (p.Ile175Val)

Gene: POC5 (POC5 centriolar protein; minus strand). Cytogenetic location: 5q13.3.
Variant type: single nucleotide variant.
Coding change: c.523A>G on transcript NM_001099271.2 (MANE Select); coding-DNA position 523, A replaced by G.
Protein change: p.Ile175Val; replaces isoleucine 175 with valine.
Molecular consequence: missense variant.
Genome position (GRCh38, 1-based): chr5:75,694,822, T>C on the plus strand (A>G on the coding strand, the complement: POC5 is on the minus strand). VCF-style: chr5-75694822-T-C. GRCh37 (hg19) VCF-style: chr5-74990647-T-C.
Other names: c.523A>G (NM_001099271.1); c.448A>G, p.Ile150Val (NM_152408.3); short protein forms I150V, I175V.
Identifiers: ClinVar variation 2073752 (VCV002073752.5), dbSNP rs778144035, ClinGen allele CA3310551.